The following is an entry in ClinVar:

NM_016151.4(TAOK2):c.2879G>A (p.Gly960Glu)

Gene: TAOK2 (TAO kinase 2; plus strand). Cytogenetic location: 16p11.2.
Variant type: single nucleotide variant.
Coding change: c.2879G>A on transcript NM_016151.4 (MANE Select); coding-DNA position 2879, G replaced by A.
Protein change: p.Gly960Glu; replaces glycine 960 with glutamic acid.
Molecular consequence: missense variant. On other transcripts: intron variant (1).
Genome position (GRCh38, 1-based): chr16:29,987,151, G>A. VCF-style: chr16-29987151-G-A. GRCh37 (hg19) VCF-style: chr16-29998472-G-A.
Other names: c.2232+647G>A (NM_004783.4); c.2540G>A, p.Gly847Glu (NM_001252043.2); short protein forms G847E, G960E.
Identifiers: ClinVar variation 3656609 (VCV003656609.2).

ClinVar aggregate classification (germline): Uncertain significance (1 of 4 stars; one submission).

Submission:

Labcorp Genetics (formerly Invitae), Labcorp
Classification: Uncertain significance. Last evaluated: 2024-06-13. Review status: criteria provided, single submitter. Criteria: Invitae Variant Classification Sherloc (09022015). Collection method: clinical testing. Allele origin: germline.
Comment: This sequence change replaces glycine, which is neutral and non-polar, with glutamic acid, which is acidic and polar, at codon 960 of the TAOK2 protein (p.Gly960Glu). This variant is not present in population databases (gnomAD no frequency). This variant has not been reported in the literature in individuals affected with TAOK2-related conditions. An algorithm developed to predict the effect of missense changes on protein structure and function (PolyPhen-2) suggests that this variant is likely to be disruptive. In summary, the available evidence is currently insufficient to determine the role of this variant in disease. Therefore, it has been classified as a Variant of Uncertain Significance.